The following is an entry in ClinVar:

ClinVar aggregate classification (germline): Uncertain significance (1 of 4 stars; one submission).

Conditions:
Neuroblastoma, susceptibility to, 3. Also called: ALK-Related Neuroblastic Tumor Susceptibility. Identifiers: Orphanet 635, MedGen C2751681, MONDO:0013083, OMIM 613014.

gnomAD v4.1: 1 of 1,614,098 alleles (0.000062%); highest among the groups gnomAD compares: Non-Finnish European, 0.000085%; no homozygotes.

Submission:

Labcorp Genetics (formerly Invitae), Labcorp
Classification: Uncertain significance for Neuroblastoma, susceptibility to, 3. Last evaluated: 2022-05-30. Review status: criteria provided, single submitter. Criteria: Invitae Variant Classification Sherloc (09022015). Collection method: clinical testing. Allele origin: germline.
Comment: This sequence change falls in intron 4 of the ALK gene. It does not directly change the encoded amino acid sequence of the ALK protein. It affects a nucleotide within the consensus splice site. This variant is not present in population databases (gnomAD no frequency). This variant has not been reported in the literature in individuals affected with ALK-related conditions. Variants that disrupt the consensus splice site are a relatively common cause of aberrant splicing (PMID: 17576681, 9536098). Algorithms developed to predict the effect of sequence changes on RNA splicing suggest that this variant may create or strengthen a splice site. In summary, the available evidence is currently insufficient to determine the role of this variant in disease. Therefore, it has been classified as a Variant of Uncertain Significance.

Literature cited by the submitters: PubMed 17576681; PubMed 9536098.

NM_004304.5(ALK):c.1154+5G>T

Gene: ALK (ALK receptor tyrosine kinase; minus strand). Cytogenetic location: 2p23.2.
Variant type: single nucleotide variant.
Coding change: c.1154+5G>T on transcript NM_004304.5 (MANE Select); 5 bases into the intron after coding-DNA position 1154, G replaced by T.
Molecular consequence: intron variant.
Genome position (GRCh38, 1-based): chr2:29,531,910, C>A on the plus strand (G>T on the coding strand, the complement: ALK is on the minus strand). VCF-style: chr2-29531910-C-A. GRCh37 (hg19) VCF-style: chr2-29754776-C-A.
Identifiers: ClinVar variation 2000852 (VCV002000852.4), dbSNP rs2148158406, ClinGen allele CA2580066316.